The following is an entry in ClinVar:

NM_006939.4(SOS2):c.213+7A>G

Gene: SOS2 (SOS Ras/Rho guanine nucleotide exchange factor 2; minus strand). Cytogenetic location: 14q21.3.
Variant type: single nucleotide variant.
Coding change: c.213+7A>G on transcript NM_006939.4 (MANE Select); 7 bases into the intron after coding-DNA position 213, A replaced by G.
Molecular consequence: intron variant.
Genome position (GRCh38, 1-based): chr14:50,204,277, T>C on the plus strand (A>G on the coding strand, the complement: SOS2 is on the minus strand). VCF-style: chr14-50204277-T-C. GRCh37 (hg19) VCF-style: chr14-50670995-T-C.
Other names: p.?.
Identifiers: ClinVar variation 2148304 (VCV002148304.5), dbSNP rs1886593848, ClinGen allele CA963024134.

ClinVar aggregate classification (germline): Likely benign. Review status: criteria provided, multiple submitters, no conflicts (2 of 4 stars). 2 submissions from 2 submitters: Likely benign (2). Last evaluated 2025-11-16.

Conditions:
Noonan syndrome 9 (NS9). Identifiers: Orphanet 648, MedGen C4225282, MONDO:0014691, OMIM 616559.

Allele frequency attached by ClinVar (database versions not stated): TOPMed below 0.00001; gnomAD 0.00001.
gnomAD v4.1: 3 of 1,553,954 alleles (0.00019%); highest among the groups gnomAD compares: African/African-American, 0.0042%; no homozygotes.

Submissions (2):

Mayo Clinic Laboratories, Mayo Clinic
Classification: Likely benign. Last evaluated: 2025-11-16. Review status: criteria provided, single submitter. Criteria: ACMG Guidelines, 2015. Collection method: clinical testing. Allele origin: germline. Observed: 1 variant allele.
Comment: BP4, BP7, PM2_supporting

Labcorp Genetics (formerly Invitae), Labcorp
Classification: Likely benign for Noonan syndrome 9. Last evaluated: 2024-03-19. Review status: criteria provided, single submitter. Criteria: Invitae Variant Classification Sherloc (09022015). Collection method: clinical testing. Allele origin: germline.